The following is an entry in ClinVar:

ClinVar aggregate classification (germline): Pathogenic (1 of 4 stars; one submission).

Submission:

GeneDx
Classification: Pathogenic. Last evaluated: 2024-03-13. Review status: criteria provided, single submitter. Criteria: GeneDx Variant Classification Process June 2021. Collection method: clinical testing. Allele origin: germline. Affected: yes.
Comment: Not observed at significant frequency in large population cohorts (gnomAD); Missense variants in this gene are often considered pathogenic (HGMD); In silico analysis supports that this missense variant has a deleterious effect on protein structure/function; Has not been previously published as pathogenic or benign to our knowledge; This variant is associated with the following publications: (PMID: 24860126)

NM_178012.5(TUBB2B):c.632G>T (p.Cys211Phe)

Gene: TUBB2B (tubulin beta 2B class IIb; minus strand). Cytogenetic location: 6p25.2.
Variant type: single nucleotide variant.
Coding change: c.632G>T on transcript NM_178012.5 (MANE Select); coding-DNA position 632, G replaced by T.
Protein change: p.Cys211Phe; replaces cysteine 211 with phenylalanine.
Molecular consequence: missense variant.
Genome position (GRCh38, 1-based): chr6:3,225,457, C>A on the plus strand (G>T on the coding strand, the complement: TUBB2B is on the minus strand). VCF-style: chr6-3225457-C-A. GRCh37 (hg19) VCF-style: chr6-3225691-C-A.
Other names: short protein forms C211F.
Identifiers: ClinVar variation 3342661 (VCV003342661.1).